The following is an entry in ClinVar:

ClinVar aggregate classification (germline): Uncertain significance. Review status: criteria provided, multiple submitters, no conflicts (2 of 4 stars). 3 submissions from 3 submitters: Uncertain significance (3). Last evaluated 2023-02-08.

Conditions:
Familial pancreatic carcinoma. Identifiers: Orphanet 1333, MedGen C2931038, MONDO:0015278, OMIM 260350.
Juvenile polyposis syndrome (JPS). Identifiers: Orphanet 2929, MedGen C0345893, MONDO:0017380, OMIM 174900.
Myhre syndrome (MYHRS). Also called: LARYNGOTRACHEAL STENOSIS, ARTHROPATHY, PROGNATHISM, AND SHORT STATURE; LAPS SYNDROME. Identifiers: Orphanet 2588, MedGen C0796081, MONDO:0007688, OMIM 139210.
Juvenile polyposis/hereditary hemorrhagic telangiectasia syndrome (JPHT). Also called: JP/HHT SYNDROME; JUVENILE POLYPOSIS WITH HEREDITARY HEMORRHAGIC TELANGIECTASIA; POLYPOSIS, GENERALIZED JUVENILE, WITH PULMONARY ARTERIOVENOUS MALFORMATION; TELANGIECTASIA, HEREDITARY HEMORRHAGIC, WITH JUVENILE POLYPOSIS COLI; Juvenile Polyposis Syndrome / Hereditary Hemorrhagic Telangiectasia (JPS/HHT). Identifiers: Orphanet 2929, MedGen C1832942, MONDO:0008278, OMIM 175050.
Familial thoracic aortic aneurysm and aortic dissection (TAAD). Also called: Thoracic aortic aneurysms and dissections. Identifiers: Orphanet 91387, MedGen C4707243, MONDO:0019625.
Hereditary cancer-predisposing syndrome. Also called: Neoplastic Syndromes, Hereditary; Hereditary neoplastic syndrome; Hereditary Cancer Syndrome; Tumor predisposition. Identifiers: Orphanet 140162, MedGen C0027672, MeSH D009386, MONDO:0015356.

Submissions (3):

Department of Pathology and Laboratory Medicine, Sinai Health System
Classification: Uncertain significance for Myhre syndrome; Juvenile polyposis syndrome; Juvenile polyposis/hereditary hemorrhagic telangiectasia syndrome; Familial pancreatic carcinoma. Last evaluated: 2023-02-08. Review status: criteria provided, single submitter. Criteria: ACMG Guidelines, 2015. Collection method: clinical testing. Allele origin: germline. Affected: no.

Color Diagnostics, LLC DBA Color Health
Classification: Uncertain significance for Hereditary cancer-predisposing syndrome. Last evaluated: 2021-06-07. Review status: criteria provided, single submitter. Criteria: ACMG Guidelines, 2015. Collection method: clinical testing. Allele origin: germline.
Comment: This missense variant replaces proline with serine at codon 218 of the SMAD4 protein. Computational prediction suggests that this variant may not impact protein structure and function (internally defined REVEL score threshold <= 0.5, PMID: 27666373). To our knowledge, functional studies have not been reported for this variant. This variant has not been reported in individuals affected with hereditary cancer in the literature. This variant has not been identified in the general population by the Genome Aggregation Database (gnomAD). The available evidence is insufficient to determine the role of this variant in disease conclusively. Therefore, this variant is classified as a Variant of Uncertain Significance.

Ambry Genetics
Classification: Uncertain significance for Hereditary cancer-predisposing syndrome; Familial thoracic aortic aneurysm and aortic dissection. Last evaluated: 2018-05-25. Review status: criteria provided, single submitter. Criteria: Ambry Variant Classification Scheme 2023. Collection method: clinical testing. Allele origin: germline.
Comment: The p.P218S variant (also known as c.652C>T), located in coding exon 4 of the SMAD4 gene, results from a C to T substitution at nucleotide position 652. The proline at codon 218 is replaced by serine, an amino acid with similar properties. This amino acid position is highly conserved through mammals but not in all available vertebrate species. In addition, the in silico prediction for this alteration is inconclusive. Since supporting evidence is limited at this time, the clinical significance of this alteration remains unclear.

NM_005359.6(SMAD4):c.652C>T (p.Pro218Ser)

Gene: SMAD4 (SMAD family member 4; plus strand). Cytogenetic location: 18q21.2.
Variant type: single nucleotide variant.
Coding change: c.652C>T on transcript NM_005359.6 (MANE Select); coding-DNA position 652, C replaced by T.
Protein change: p.Pro218Ser; replaces proline 218 with serine.
Molecular consequence: missense variant.
Genome position (GRCh38, 1-based): chr18:51,054,978, C>T. VCF-style: chr18-51054978-C-T. GRCh37 (hg19) VCF-style: chr18-48581348-C-T.
Other names: c.652C>T (NM_005359.4); short protein forms P218S.
Identifiers: ClinVar variation 826463 (VCV000826463.7), dbSNP rs1345146274, ClinGen allele CA402461315.
Genomic context (GRCh38, chr18:51,054,978, plus strand): 5'-CCAGCTCTGTTAGCCCCATCTGAGTCTAATGCTACCAGCACTGCCAACTTTCCCAACATT[C>T]CTGTGGCTTCCACAAGTGAGTTCTAGAATCAGATGTAGTCAGCAAGTTGAGTTTTCCTAA-3'
Protein context (NP_005350.1, residues 208-228): ATSTANFPNI[Pro218Ser]VASTSQPASI